The following is an entry in ClinVar:

ClinVar aggregate classification (germline): Pathogenic (1 of 4 stars; one submission).

Conditions:
Hereditary cancer-predisposing syndrome. Also called: Hereditary Cancer Syndrome; Neoplastic Syndromes, Hereditary; Hereditary neoplastic syndrome; Tumor predisposition. Identifiers: Orphanet 140162, MedGen C0027672, MeSH D009386, MONDO:0015356.

Submission:

Ambry Genetics
Classification: Pathogenic for Hereditary cancer-predisposing syndrome. Last evaluated: 2014-06-13. Review status: criteria provided, single submitter. Criteria: Ambry Autosomal Dominant and X-Linked criteria (10/2015). Collection method: clinical testing. Allele origin: germline. Observed: 1 variant allele.
Comment: The c.1695+3A>C pathogenic mutation results from an A to C substitution three nucleotides after coding exon 17 of the RB1 gene. This mutation was reported in an individual with sporadic bilateral retinoblastoma (Lohmann, DR et al. Am J Hum Genet. 1996 May;58(5):940-9). This variant was not reported in population-based cohorts in the following databases: Database of Single Nucleotide Polymorphisms (dbSNP), NHLBI Exome Sequencing Project (ESP) and 1000 Genomes Project. Based on nucleotide sequence alignment, this position is well conserved in available vertebrate species. Using the BDGP splice site prediction tool, this alteration is predicted to abolish the native donor site, while the ESEfinder splice site prediction tool predicts a weakening in the native splice donor site efficiency; however, direct evidence is unavailable. Based on the available evidence, c.1695+3A>C is classified as a pathogenic mutation.

NM_000321.3(RB1):c.1695+3A>C

Gene: RB1 (RB transcriptional corepressor 1; plus strand). Cytogenetic location: 13q14.2.
Variant type: single nucleotide variant.
Coding change: c.1695+3A>C on transcript NM_000321.3 (MANE Select); 3 bases into the intron after coding-DNA position 1695, A replaced by C.
Molecular consequence: intron variant.
Genome position (GRCh38, 1-based): chr13:48,381,446, A>C. VCF-style: chr13-48381446-A-C. GRCh37 (hg19) VCF-style: chr13-48955582-A-C.
Identifiers: ClinVar variation 428689 (VCV000428689.3), dbSNP rs1131690870, ClinGen allele CA645369593.